The following is an entry in ClinVar:

ClinVar aggregate classification (germline): Likely benign. Review status: reviewed by expert panel (3 of 4 stars). 2 submissions from 2 submitters: Likely benign (1). 1 of the submissions does not count toward it. Last evaluated 2024-06-24.

Conditions:
Hereditary thrombocytopenia and hematological cancer predisposition syndrome associated with RUNX1. Also called: Familial Platelet Disorder with Propensity to Acute Myelogenous Leukemia; Familial thrombocytopenia with propensity to acute myelogenous leukemia; PLATELET DISORDER, ASPIRIN-LIKE; RUNX1 Familial Platelet Disorder with Associated Myeloid Malignancies. Identifiers: Orphanet 71290, MedGen C1832388, MeSH C563324, MONDO:0100083, OMIM 601399.

gnomAD v4.1: 3 of 1,568,796 alleles (0.00019%); highest among the groups gnomAD compares: East Asian, 0.0024%; no homozygotes.

Submissions (2):

ClinGen Myeloid Malignancy Variant Curation Expert Panel
Classification: Likely benign for Hereditary thrombocytopenia and hematological cancer predisposition syndrome associated with RUNX1. Last evaluated: 2024-06-24. Review status: reviewed by expert panel. Criteria: ClinGen MyeloMalig ACMG Specifications v2. Collection method: curation. Allele origin: germline. Inheritance: Autosomal dominant inheritance.
Comment: This synonymous variant has a SpliceAI Δ score of 0.00 (BP4). Evolutionary conservation prediction algorithms predict the site as not being conserved (PhyloP score -0.008 (< 2)) (BP7). This variant is completely absent from all population databases with at least 20x coverage for RUNX1 (PM2_supporting). In summary, this variant meets criteria to be classified as likely benign. ACMG/AMP criteria applied, as specified by the Myeloid Malignancy Variant Curation Expert Panel for RUNX1: BP4, BP7, PM2_supporting.

Labcorp Genetics (formerly Invitae), Labcorp
Classification: Likely benign for Hereditary thrombocytopenia and hematological cancer predisposition syndrome associated with RUNX1. Last evaluated: 2021-03-09. Review status: criteria provided, single submitter. Criteria: Invitae Variant Classification Sherloc (09022015). Collection method: clinical testing. Allele origin: germline. Not counted in ClinVar's aggregate classification.

NM_001754.5(RUNX1):c.1164G>C (p.Ser388=)

Gene: RUNX1 (RUNX family transcription factor 1; minus strand). Cytogenetic location: 21q22.12.
Variant type: single nucleotide variant.
Coding change: c.1164G>C on transcript NM_001754.5 (MANE Select); coding-DNA position 1164, G replaced by C.
Protein change: p.Ser388=; no amino-acid change (serine 388 retained).
Molecular consequence: synonymous variant.
Genome position (GRCh38, 1-based): chr21:34,792,414, C>G on the plus strand (G>C on the coding strand, the complement: RUNX1 is on the minus strand). VCF-style: chr21-34792414-C-G. GRCh37 (hg19) VCF-style: chr21-36164711-C-G.
Other names: NM_001754.5(RUNX1):c.1164G>C; p.Ser388=; c.1083G>C, p.Ser361= (NM_001001890.3).
Identifiers: ClinVar variation 1127787 (VCV001127787.10), dbSNP rs1333436278, ClinGen allele CA512341257.